The following is an entry in ClinVar:

ClinVar aggregate classification (germline): Uncertain significance. Review status: criteria provided, multiple submitters, no conflicts (2 of 4 stars). 3 submissions from 3 submitters: Uncertain significance (3). Last evaluated 2025-12-17.

Conditions:
Inborn genetic diseases. Identifiers: MedGen C0950123, MeSH D030342.

Allele frequency attached by ClinVar (database versions not stated): ExAC 0.00001; gnomAD exomes 0.00001.
gnomAD v4.1: 14 of 1,614,072 alleles (0.00087%); highest among the groups gnomAD compares: South Asian, 0.015%; no homozygotes.

Submissions (3):

Labcorp Genetics (formerly Invitae), Labcorp
Classification: Uncertain significance. Last evaluated: 2025-12-17. Review status: criteria provided, single submitter. Criteria: Invitae Variant Classification Sherloc (09022015). Collection method: clinical testing. Allele origin: germline.
Comment: This sequence change replaces threonine, which is neutral and polar, with serine, which is neutral and polar, at codon 417 of the MYH3 protein (p.Thr417Ser). This variant is present in population databases (rs759276020, gnomAD 0.006%). This variant has not been reported in the literature in individuals affected with MYH3-related conditions. ClinVar contains an entry for this variant (Variation ID: 2433908). Invitae Evidence Modeling of protein sequence and biophysical properties (such as structural, functional, and spatial information, amino acid conservation, physicochemical variation, residue mobility, and thermodynamic stability) indicates that this missense variant is not expected to disrupt MYH3 protein function with a negative predictive value of 95%. In summary, the available evidence is currently insufficient to determine the role of this variant in disease. Therefore, it has been classified as a Variant of Uncertain Significance.

Ambry Genetics
Classification: Uncertain significance for Inborn genetic diseases. Last evaluated: 2025-10-23. Review status: criteria provided, single submitter. Criteria: Ambry Variant Classification Scheme 2023. Collection method: clinical testing. Allele origin: germline.

Revvity Omics, Revvity
Classification: Uncertain significance. Last evaluated: 2019-04-19. Review status: criteria provided, single submitter. Criteria: ACMG Guidelines, 2015. Collection method: clinical testing. Allele origin: germline.

NM_002470.4(MYH3):c.1249A>T (p.Thr417Ser)

Gene: MYH3 (myosin heavy chain 3; minus strand). Cytogenetic location: 17p13.1.
Variant type: single nucleotide variant.
Coding change: c.1249A>T on transcript NM_002470.4 (MANE Select); coding-DNA position 1249, A replaced by T.
Protein change: p.Thr417Ser; replaces threonine 417 with serine.
Molecular consequence: missense variant.
Genome position (GRCh38, 1-based): chr17:10,644,595, T>A on the plus strand (A>T on the coding strand, the complement: MYH3 is on the minus strand). VCF-style: chr17-10644595-T-A. GRCh37 (hg19) VCF-style: chr17-10547912-T-A.
Other names: c.1249A>T (NM_002470.3); short protein forms T417S.
Identifiers: ClinVar variation 2433908 (VCV002433908.7), dbSNP rs759276020, ClinGen allele CA8393050.